The following is an entry in ClinVar:

ClinVar aggregate classification (germline): Likely benign. Review status: criteria provided, multiple submitters, no conflicts (2 of 4 stars). 2 submissions from 2 submitters: Likely benign (2). Last evaluated 2025-10-01.

Conditions:
Dilated cardiomyopathy 1G (CMD1G). Identifiers: Orphanet 154, MedGen C1858763, MONDO:0011400, OMIM 604145.
Autosomal recessive limb-girdle muscular dystrophy type 2J (LGMDR10). Also called: Limb-girdle muscular dystrophy, type 2J; MUSCULAR DYSTROPHY, LIMB-GIRDLE, AUTOSOMAL RECESSIVE 10. Identifiers: Orphanet 140922, MedGen C1837342, MONDO:0012127, OMIM 608807.

gnomAD v4.1: 6 of 1,613,290 alleles (0.00037%); highest among the groups gnomAD compares: Non-Finnish European, 0.00042%; no homozygotes.

Submissions (2):

CeGaT Center for Human Genetics Tuebingen
Classification: Likely benign. Last evaluated: 2025-10-01. Review status: criteria provided, single submitter. Criteria: CeGaT Center For Human Genetics Tuebingen Variant Classification Criteria Version 2. Collection method: clinical testing. Allele origin: germline. Affected: yes. Observed: 2 variant alleles.
Comment: TTN: BP4, BP7

Labcorp Genetics (formerly Invitae), Labcorp
Classification: Likely benign for Dilated cardiomyopathy 1G; Autosomal recessive limb-girdle muscular dystrophy type 2J. Last evaluated: 2024-03-18. Review status: criteria provided, single submitter. Criteria: Invitae Variant Classification Sherloc (09022015). Collection method: clinical testing. Allele origin: germline.

NM_001267550.2(TTN):c.74499C>G (p.Pro24833=)

Genes: TTN (titin; minus strand), TTN-AS1 (TTN antisense RNA 1; plus strand). Cytogenetic location: 2q31.2.
Variant type: single nucleotide variant.
Coding change: c.74499C>G on transcript NM_001267550.2 (MANE Select); coding-DNA position 74499, C replaced by G.
Protein change: p.Pro24833=; no amino-acid change (proline 24833 retained).
Molecular consequence: synonymous variant.
Genome position (GRCh38, 1-based): chr2:178,571,633, G>C on the plus strand (C>G on the coding strand, the complement: TTN is on the minus strand). VCF-style: chr2-178571633-G-C. GRCh37 (hg19) VCF-style: chr2-179436360-G-C.
Other names: c.69576C>G, p.Pro23192= (NM_001256850.1); c.47304C>G, p.Pro15768= (NM_003319.4); c.66795C>G, p.Pro22265= (NM_133378.4); c.47679C>G, p.Pro15893= (NM_133432.3); c.47880C>G, p.Pro15960= (NM_133437.4).
Identifiers: ClinVar variation 467468 (VCV000467468.31), dbSNP rs1553605256, ClinGen allele CA430255779.